The following is an entry in ClinVar:

NM_001388419.1(KALRN):c.4936C>T (p.Leu1646Phe)

Gene: KALRN (kalirin RhoGEF kinase; plus strand). Cytogenetic location: 3q21.2.
Variant type: single nucleotide variant.
Coding change: c.4936C>T on transcript NM_001388419.1 (MANE Select); coding-DNA position 4936, C replaced by T.
Protein change: p.Leu1646Phe; replaces leucine 1646 with phenylalanine.
Molecular consequence: missense variant.
Genome position (GRCh38, 1-based): chr3:124,562,843, C>T. VCF-style: chr3-124562843-C-T. GRCh37 (hg19) VCF-style: chr3-124281690-C-T.
Other names: c.4930C>T, p.Leu1644Phe (NM_001024660.5, NM_001322988.2); c.3007C>T, p.Leu1003Phe (NM_001388412.1); short protein forms L1003F, L1644F, L1646F.
Identifiers: ClinVar variation 3041729 (VCV003041729.2), dbSNP rs186739814, ClinGen allele CA2580263.

ClinVar aggregate classification (germline): Likely benign (0 of 4 stars; one submission).

Conditions:
KALRN-related disorder. Also called: KALRN-related condition.

Allele frequency attached by ClinVar (database versions not stated): 1000 Genomes Project 30x 0.00094; 1000 Genomes Project 0.00120; TOPMed 0.00166; ESP Exome Variant Server 0.00218; gnomAD 0.00310; ExAC 0.00553.
gnomAD v4.1: 4,188 of 1,361,778 alleles (0.31%); highest among the groups gnomAD compares: Middle Eastern, 0.44%; 18 homozygotes.

Submission:

PreventionGenetics, part of Exact Sciences
Classification: Likely benign for KALRN-related condition. Last evaluated: 2020-02-26. Review status: no assertion criteria provided. Collection method: clinical testing. Allele origin: germline.
Comment: This variant is classified as likely benign based on ACMG/AMP sequence variant interpretation guidelines (Richards et al. 2015 PMID: 25741868, with internal and published modifications).